The following is an entry in ClinVar:

ClinVar aggregate classification (germline): Uncertain significance (1 of 4 stars; one submission).

Conditions:
Inborn genetic diseases. Identifiers: MedGen C0950123, MeSH D030342.

Submission:

Ambry Genetics
Classification: Uncertain significance for Inborn genetic diseases. Last evaluated: 2017-06-29. Review status: criteria provided, single submitter. Criteria: Ambry Variant Classification Scheme 2023. Collection method: clinical testing. Allele origin: germline.
Comment: The p.A31S variant (also known as c.91G>T), located in coding exon 1 of the GNAO1 gene, results from a G to T substitution at nucleotide position 91. The alanine at codon 31 is replaced by serine, an amino acid with similar properties. This amino acid position is highly conserved in available vertebrate species. In addition, the in silico prediction for this alteration is inconclusive. Since supporting evidence is limited at this time, the clinical significance of this alteration remains unclear.

NM_020988.3(GNAO1):c.91G>T (p.Ala31Ser)

Gene: GNAO1 (G protein subunit alpha o1; plus strand). Cytogenetic location: 16q13.
Variant type: single nucleotide variant.
Coding change: c.91G>T on transcript NM_020988.3 (MANE Select); coding-DNA position 91, G replaced by T.
Protein change: p.Ala31Ser; replaces alanine 31 with serine.
Molecular consequence: missense variant.
Genome position (GRCh38, 1-based): chr16:56,192,326, G>T. VCF-style: chr16-56192326-G-T. GRCh37 (hg19) VCF-style: chr16-56226238-G-T.
Other names: c.91G>T, p.Ala31Ser (NM_138736.3); short protein forms A31S.
Identifiers: ClinVar variation 1766177 (VCV001766177.2), dbSNP rs2506529624, ClinGen allele CA396128494.
Genomic context (GRCh38, chr16:56,192,326, plus strand): 5'-GCCGCCCTCGAGCGGAGCAAGGCGATTGAGAAAAACCTCAAAGAGGATGGCATCAGCGCC[G>T]CCAAAGACGTGAAATTACTCCTGCTCGGTAAGGACCGCCGCTGCTACCCCCATCCCCCGA-3'
Protein context (NP_066268.1, residues 21-41): KNLKEDGISA[Ala31Ser]KDVKLLLLGA